The following is an entry in ClinVar:

ClinVar aggregate classification (germline): Uncertain significance (1 of 4 stars; one submission).

Conditions:
Cardiovascular phenotype. Identifiers: MedGen CN230736.

Submission:

Ambry Genetics
Classification: Uncertain significance for Cardiovascular phenotype. Last evaluated: 2022-09-26. Review status: criteria provided, single submitter. Criteria: Ambry Variant Classification Scheme 2023. Collection method: clinical testing. Allele origin: germline.
Comment: The p.H394Y variant (also known as c.1180C>T), located in coding exon 10 of the PRDM5 gene, results from a C to T substitution at nucleotide position 1180. The histidine at codon 394 is replaced by tyrosine, an amino acid with similar properties. This amino acid position is conserved. In addition, this alteration is predicted to be deleterious by in silico analysis. Since supporting evidence is limited at this time, the clinical significance of this alteration remains unclear.

NM_018699.4(PRDM5):c.1180C>T (p.His394Tyr)

Gene: PRDM5 (PR/SET domain 5; minus strand). Cytogenetic location: 4q27.
Variant type: single nucleotide variant.
Coding change: c.1180C>T on transcript NM_018699.4 (MANE Select); coding-DNA position 1180, C replaced by T.
Protein change: p.His394Tyr; replaces histidine 394 with tyrosine.
Molecular consequence: missense variant.
Genome position (GRCh38, 1-based): chr4:120,798,275, G>A on the plus strand (C>T on the coding strand, the complement: PRDM5 is on the minus strand). VCF-style: chr4-120798275-G-A. GRCh37 (hg19) VCF-style: chr4-121719430-G-A.
Other names: c.1087C>T, p.His363Tyr (NM_001300823.2, NM_001300824.2, NM_001379106.1); c.1213C>T, p.His405Tyr (NM_001379104.1); short protein forms H363Y, H394Y, H405Y.
Identifiers: ClinVar variation 1742120 (VCV001742120.2), dbSNP rs2477514471, ClinGen allele CA358210029.